The following is an entry in ClinVar:

NM_000291.4(PGK1):c.100A>G (p.Ile34Val)

Gene: PGK1 (phosphoglycerate kinase 1; plus strand). Cytogenetic location: Xq21.1.
Variant type: single nucleotide variant.
Coding change: c.100A>G on transcript NM_000291.4 (MANE Select); coding-DNA position 100, A replaced by G.
Protein change: p.Ile34Val; replaces isoleucine 34 with valine.
Molecular consequence: missense variant.
Genome position (GRCh38, 1-based): chrX:78,109,901, A>G. VCF-style: chrX-78109901-A-G. GRCh37 (hg19) VCF-style: chrX-77365398-A-G.
Other names: short protein forms I34V.
Identifiers: ClinVar variation 1307702 (VCV001307702.2), dbSNP rs782804673, ClinGen allele CA10459604.

ClinVar aggregate classification (germline): Uncertain significance (1 of 4 stars; one submission).

Allele frequency attached by ClinVar (database versions not stated): gnomAD exomes below 0.00001 and 0.00001; TOPMed below 0.00001; ExAC 0.00002.
gnomAD v4.1: 1 of 1,191,781 alleles (0.000084%); highest among the groups gnomAD compares: Admixed American, 0.0022%; no homozygotes.

Submission:

GeneDx
Classification: Uncertain significance. Last evaluated: 2019-08-21. Review status: criteria provided, single submitter. Criteria: GeneDx Variant Classification Process June 2021. Collection method: clinical testing. Allele origin: germline. Affected: yes.
Comment: In silico analysis, which includes protein predictors and evolutionary conservation, supports that this variant does not alter protein structure/function; In silico analysis, which includes splice predictors, supports a deleterious effect; Has not been previously published as pathogenic or benign to our knowledge